The following is an entry in ClinVar:

ClinVar aggregate classification (germline): Likely benign. Review status: criteria provided, single submitter (1 of 4 stars). 2 submissions from 2 submitters: Likely benign (1). 1 of the submissions does not count toward it. Last evaluated 2025-07-20.

Conditions:
EIF2AK4-related disorder. Also called: EIF2AK4-related condition.

Allele frequency attached by ClinVar (database versions not stated): gnomAD 0.00084 and 0.00081; ExAC 0.00097; ESP Exome Variant Server 0.00110; gnomAD exomes 0.00121 and 0.00080; 1000 Genomes Project 30x 0.00047; 1000 Genomes Project 0.00060; TOPMed 0.00077.
gnomAD v4.1: 1,869 of 1,609,840 alleles (0.12%); highest among the groups gnomAD compares: Non-Finnish European, 0.14%; 3 homozygotes.

Submissions (2):

Labcorp Genetics (formerly Invitae), Labcorp
Classification: Likely benign. Last evaluated: 2025-07-20. Review status: criteria provided, single submitter. Criteria: Invitae Variant Classification Sherloc (09022015). Collection method: clinical testing. Allele origin: germline.

PreventionGenetics, part of Exact Sciences
Classification: Likely benign for EIF2AK4-related condition. Last evaluated: 2022-06-02. Review status: no assertion criteria provided. Collection method: clinical testing. Allele origin: germline. Not counted in ClinVar's aggregate classification.
Comment: This variant is classified as likely benign based on ACMG/AMP sequence variant interpretation guidelines (Richards et al. 2015 PMID: 25741868, with internal and published modifications).

NM_001013703.4(EIF2AK4):c.545G>A (p.Arg182Lys)

Gene: EIF2AK4 (eukaryotic translation initiation factor 2 alpha kinase 4; plus strand). Cytogenetic location: 15q15.1.
Variant type: single nucleotide variant.
Coding change: c.545G>A on transcript NM_001013703.4 (MANE Select); coding-DNA position 545, G replaced by A.
Protein change: p.Arg182Lys; replaces arginine 182 with lysine.
Molecular consequence: missense variant.
Genome position (GRCh38, 1-based): chr15:39,953,935, G>A. VCF-style: chr15-39953935-G-A. GRCh37 (hg19) VCF-style: chr15-40246136-G-A.
Other names: c.545G>A (NM_001013703.3); short protein forms R182K.
Identifiers: ClinVar variation 1109180 (VCV001109180.9), dbSNP rs186768938, ClinGen allele CA7473538.